The following is an entry in ClinVar:

ClinVar aggregate classification (germline): Likely benign (1 of 4 stars; one submission).

Allele frequency attached by ClinVar (database versions not stated): gnomAD exomes below 0.00001.
gnomAD v4.1: 3 of 1,613,560 alleles (0.00019%); highest among the groups gnomAD compares: Non-Finnish European, 0.00025%; no homozygotes.

Submission:

GeneDx
Classification: Likely benign. Last evaluated: 2016-08-30. Review status: criteria provided, single submitter. Criteria: GeneDx Variant Classification (06012015). Collection method: clinical testing. Allele origin: germline. Affected: yes.
Comment: This variant is considered likely benign or benign based on one or more of the following criteria: it is a conservative change, it occurs at a poorly conserved position in the protein, it is predicted to be benign by multiple in silico algorithms, and/or has population frequency not consistent with disease.

NM_002489.4(NDUFA4):c.-6G>A

Gene: NDUFA4 (NDUFA4 mitochondrial complex associated; minus strand). Cytogenetic location: 7p21.3.
Variant type: single nucleotide variant.
Coding change: c.-6G>A on transcript NM_002489.4 (MANE Select); 6 bases upstream of the start codon, G replaced by A.
Molecular consequence: 5 prime UTR variant.
Genome position (GRCh38, 1-based): chr7:10,940,063, C>T on the plus strand (G>A on the coding strand, the complement: NDUFA4 is on the minus strand). VCF-style: chr7-10940063-C-T. GRCh37 (hg19) VCF-style: chr7-10979690-C-T.
Identifiers: ClinVar variation 388754 (VCV000388754.1), dbSNP rs1057523221, ClinGen allele CA16605212.